The following is an entry in ClinVar:

NM_024675.4(PALB2):c.1309A>G (p.Lys437Glu)

Gene: PALB2 (partner and localizer of BRCA2; minus strand). Cytogenetic location: 16p12.2.
Variant type: single nucleotide variant.
Coding change: c.1309A>G on transcript NM_024675.4 (MANE Select); coding-DNA position 1309, A replaced by G.
Protein change: p.Lys437Glu; replaces lysine 437 with glutamic acid.
Molecular consequence: missense variant.
Genome position (GRCh38, 1-based): chr16:23,635,237, T>C on the plus strand (A>G on the coding strand, the complement: PALB2 is on the minus strand). VCF-style: chr16-23635237-T-C. GRCh37 (hg19) VCF-style: chr16-23646558-T-C.
Other names: c.1309A>G (NM_024675.3); short protein forms K437E.
Identifiers: ClinVar variation 1015636 (VCV001015636.9), dbSNP rs1597096438, ClinGen allele CA395132408.

ClinVar aggregate classification (germline): Uncertain significance. Review status: criteria provided, multiple submitters, no conflicts (2 of 4 stars). 3 submissions from 3 submitters: Uncertain significance (3). Last evaluated 2026-04-12.

Conditions:
Hereditary cancer-predisposing syndrome. Also called: Hereditary neoplastic syndrome; Neoplastic Syndromes, Hereditary; Tumor predisposition; Hereditary Cancer Syndrome. Identifiers: Orphanet 140162, MedGen C0027672, MeSH D009386, MONDO:0015356.
Familial cancer of breast. Also called: BREAST CANCER, FAMILIAL; Hereditary breast cancer; hereditary breast carcinoma. Identifiers: Orphanet 227535, MedGen C0346153, MONDO:0016419, OMIM 114480. Disease mechanism: loss of function.

Submissions (3):

Ambry Genetics
Classification: Uncertain significance for Hereditary cancer-predisposing syndrome. Last evaluated: 2026-04-12. Review status: criteria provided, single submitter. Criteria: Ambry Variant Classification Scheme 2023. Collection method: clinical testing. Allele origin: germline.
Comment: The p.K437E variant (also known as c.1309A>G), located in coding exon 4 of the PALB2 gene, results from an A to G substitution at nucleotide position 1309. The lysine at codon 437 is replaced by glutamic acid, an amino acid with similar properties. This amino acid position is conserved. In addition, this alteration is predicted to be tolerated by in silico analysis. Based on the available evidence, the clinical significance of this variant remains unclear.

Labcorp Genetics (formerly Invitae), Labcorp
Classification: Uncertain significance for Familial cancer of breast. Last evaluated: 2024-07-30. Review status: criteria provided, single submitter. Criteria: Invitae Variant Classification Sherloc (09022015). Collection method: clinical testing. Allele origin: germline.
Comment: This sequence change replaces lysine, which is basic and polar, with glutamic acid, which is acidic and polar, at codon 437 of the PALB2 protein (p.Lys437Glu). This variant is not present in population databases (gnomAD no frequency). This variant has not been reported in the literature in individuals affected with PALB2-related conditions. ClinVar contains an entry for this variant (Variation ID: 1015636). Advanced modeling of protein sequence and biophysical properties (such as structural, functional, and spatial information, amino acid conservation, physicochemical variation, residue mobility, and thermodynamic stability) performed at Invitae indicates that this missense variant is expected to disrupt PALB2 protein function with a positive predictive value of 80%. In summary, the available evidence is currently insufficient to determine the role of this variant in disease. Therefore, it has been classified as a Variant of Uncertain Significance.

Color Diagnostics, LLC DBA Color Health
Classification: Uncertain significance for Hereditary cancer-predisposing syndrome. Last evaluated: 2024-03-10. Review status: criteria provided, single submitter. Criteria: ACMG Guidelines, 2015. Collection method: clinical testing. Allele origin: germline.
Comment: This missense variant replaces lysine with glutamic acid at codon 437 of the PALB2 protein. Computational prediction suggests that this variant may not impact protein structure and function (internally defined REVEL score threshold <= 0.5, PMID: 27666373). To our knowledge, functional studies have not been reported for this variant. This variant has not been reported in individuals affected with PALB2-related disorders in the literature. This variant has not been identified in the general population by the Genome Aggregation Database (gnomAD). The available evidence is insufficient to determine the role of this variant in disease conclusively. Therefore, this variant is classified as a Variant of Uncertain Significance.